The following is an entry in ClinVar:

NM_006279.5(ST3GAL3):c.991G>A (p.Ala331Thr)

Gene: ST3GAL3 (ST3 beta-galactoside alpha-2,3-sialyltransferase 3; plus strand). Cytogenetic location: 1p34.1.
Variant type: single nucleotide variant.
Coding change: c.991G>A on transcript NM_006279.5 (MANE Select); coding-DNA position 991, G replaced by A.
Protein change: p.Ala331Thr; replaces alanine 331 with threonine.
Molecular consequence: missense variant. On other transcripts: non-coding transcript variant (6), intron variant (11).
Genome position (GRCh38, 1-based): chr1:43,920,881, G>A. VCF-style: chr1-43920881-G-A. GRCh37 (hg19) VCF-style: chr1-44386553-G-A.
Other names: c.901G>A, p.Ala301Thr (NM_001270459.2); c.898G>A, p.Ala300Thr (NM_001270460.2); c.1036G>A, p.Ala346Thr (NM_001350619.2, NM_174964.4); c.991G>A, p.Ala331Thr (NM_001350620.2); c.712G>A, p.Ala238Thr (NM_001350621.2); c.1198G>A, p.Ala400Thr (NM_174963.5); c.1153G>A, p.Ala385Thr (NM_174968.5); c.943G>A, p.Ala315Thr (NM_174969.4); and 12 more; short protein forms A331T, A369T, A346T, A385T, A400T, A300T, A238T, A301T.
Identifiers: ClinVar variation 1500668 (VCV001500668.9), dbSNP rs1174973209, ClinGen allele CA340032994.

ClinVar aggregate classification (germline): Uncertain significance (1 of 4 stars; one submission).

Conditions:
Early-infantile DEE. Also called: Early infantile epileptic encephalopathy; Ohtahara syndrome; Early infantile epileptic encephalopathy with suppression bursts. Identifiers: Orphanet 1934, MedGen C0393706, MONDO:0800491.

Allele frequency attached by ClinVar (database versions not stated): gnomAD exomes below 0.00001 and 0.00001; TOPMed below 0.00001.
gnomAD v4.1: 6 of 1,614,022 alleles (0.00037%); highest among the groups gnomAD compares: Non-Finnish European, 0.00051%; no homozygotes.

Submission:

Labcorp Genetics (formerly Invitae), Labcorp
Classification: Uncertain significance for Early-infantile DEE. Last evaluated: 2022-07-13. Review status: criteria provided, single submitter. Criteria: Invitae Variant Classification Sherloc (09022015). Collection method: clinical testing. Allele origin: germline.
Comment: In summary, the available evidence is currently insufficient to determine the role of this variant in disease. Therefore, it has been classified as a Variant of Uncertain Significance. Algorithms developed to predict the effect of missense changes on protein structure and function are either unavailable or do not agree on the potential impact of this missense change (SIFT: "Tolerated"; PolyPhen-2: "Possibly Damaging"; Align-GVGD: "Class C0"). ClinVar contains an entry for this variant (Variation ID: 1500668). This variant has not been reported in the literature in individuals affected with ST3GAL3-related conditions. This variant is present in population databases (no rsID available, gnomAD 0.0009%). This sequence change replaces alanine, which is neutral and non-polar, with threonine, which is neutral and polar, at codon 331 of the ST3GAL3 protein (p.Ala331Thr).